The following is an entry in ClinVar:

ClinVar aggregate classification (germline): Likely pathogenic (1 of 4 stars; one submission).

Submission:

GeneDx
Classification: Likely pathogenic. Last evaluated: 2025-01-31. Review status: criteria provided, single submitter. Criteria: GeneDx Variant Classification Process June 2021. Collection method: clinical testing. Allele origin: germline. Affected: yes.
Comment: Frameshift variant predicted to result in protein truncation or nonsense mediated decay in a gene for which loss of function is a known mechanism of disease; Not observed at significant frequency in large population cohorts (gnomAD); Has not been previously published as pathogenic or benign to our knowledge

NM_001040616.3(LINS1):c.244_248del (p.Met82fs)

Gene: LINS1 (lines homolog 1; minus strand). Cytogenetic location: 15q26.3.
Variant type: Deletion.
Coding change: c.244_248del on transcript NM_001040616.3 (MANE Select); coding-DNA positions 244 to 248, 5 bases deleted (ATGAG; older notation c.244_248delATGAG).
Protein change: p.Met82fs; shifts the reading frame from methionine 82.
Molecular consequence: frameshift variant. On other transcripts: 5 prime UTR variant (1), non-coding transcript variant (3).
Genome position (GRCh38, 1-based): chr15:100,580,595-100,580,599, CTCAT deleted on the plus strand (ATGAG on the coding strand, the reverse complement: LINS1 is on the minus strand); deleting any 5 consecutive bases within chr15:100,580,595-100,580,601 gives the same sequence; the c. name uses the placement nearest the transcript's 3' end. VCF-style (leftmost placement, unchanged base first): chr15-100580594-GCTCAT-G. GRCh37 (hg19) VCF-style: chr15-101120799-GCTCAT-G.
Other names: c.-666_-662del (NM_001352507.2); c.244_248del, p.Met82fs (NM_001352508.2); c.244_248delATGAG (NM_001040616.2); c.244_248del (NM_001040616.2); short protein forms M82fs.
Identifiers: ClinVar variation 504353 (VCV000504353.3), dbSNP rs767760664, ClinGen allele CA7759745.